The following is an entry in ClinVar:

ClinVar aggregate classification (germline): Uncertain significance (1 of 4 stars; one submission).

Allele frequency attached by ClinVar (database versions not stated): ExAC 0.00001; gnomAD exomes 0.00001; TOPMed 0.00001.

Submission:

Labcorp Genetics (formerly Invitae), Labcorp
Classification: Uncertain significance. Last evaluated: 2022-03-20. Review status: criteria provided, single submitter. Criteria: Invitae Variant Classification Sherloc (09022015). Collection method: clinical testing. Allele origin: germline.
Comment: This sequence change replaces threonine, which is neutral and polar, with isoleucine, which is neutral and non-polar, at codon 136 of the ZFP57 protein (p.Thr136Ile). This variant is present in population databases (rs757840663, gnomAD 0.003%). This variant has not been reported in the literature in individuals affected with ZFP57-related conditions. Algorithms developed to predict the effect of missense changes on protein structure and function are either unavailable or do not agree on the potential impact of this missense change (SIFT: "Not Available"; PolyPhen-2: "Benign"; Align-GVGD: "Not Available"). In summary, the available evidence is currently insufficient to determine the role of this variant in disease. Therefore, it has been classified as a Variant of Uncertain Significance.

NM_001109809.5(ZFP57):c.407C>T (p.Thr136Ile)

Gene: ZFP57 (ZFP57 zinc finger protein; minus strand). Cytogenetic location: 6p22.1.
Variant type: single nucleotide variant.
Coding change: c.407C>T on transcript NM_001109809.5 (MANE Select); coding-DNA position 407, C replaced by T.
Protein change: p.Thr136Ile; replaces threonine 136 with isoleucine.
Molecular consequence: missense variant.
Genome position (GRCh38, 1-based): chr6:29,673,704, G>A on the plus strand (C>T on the coding strand, the complement: ZFP57 is on the minus strand). VCF-style: chr6-29673704-G-A. GRCh37 (hg19) VCF-style: chr6-29641481-G-A.
Other names: c.191C>T, p.Thr64Ile (NM_001366333.2); short protein forms T136I, T64I.
Identifiers: ClinVar variation 2140981 (VCV002140981.4), dbSNP rs757840663, ClinGen allele CA3690823.